The following is an entry in ClinVar:

NM_001378454.1(ALMS1):c.9809C>T (p.Pro3270Leu)

Gene: ALMS1 (ALMS1 centrosome and basal body associated protein; plus strand). Cytogenetic location: 2p13.1.
Variant type: single nucleotide variant.
Coding change: c.9809C>T on transcript NM_001378454.1 (MANE Select); coding-DNA position 9809, C replaced by T.
Protein change: p.Pro3270Leu; replaces proline 3270 with leucine.
Molecular consequence: missense variant.
Genome position (GRCh38, 1-based): chr2:73,534,851, C>T. VCF-style: chr2-73534851-C-T. GRCh37 (hg19) VCF-style: chr2-73761978-C-T.
Other names: c.9812C>T, p.Pro3271Leu (NM_015120.4); short protein forms P3270L, P3271L.
Identifiers: ClinVar variation 1009075 (VCV001009075.12), dbSNP rs551032553, ClinGen allele CA50350462.

ClinVar aggregate classification (germline): Uncertain significance. Review status: criteria provided, multiple submitters, no conflicts (2 of 4 stars). 5 submissions from 5 submitters: Uncertain significance (4). 1 of the submissions does not count toward it. Last evaluated 2026-01-05.

Conditions:
Cardiovascular phenotype. Identifiers: MedGen CN230736.
Alstrom syndrome (ALMS). Identifiers: Orphanet 64, MedGen C0268425, MONDO:0008763, OMIM 203800.

Allele frequency attached by ClinVar (database versions not stated): gnomAD exomes below 0.00001; gnomAD 0.00001; 1000 Genomes Project 30x 0.00016; 1000 Genomes Project 0.00020.
gnomAD v4.1: 4 of 1,613,618 alleles (0.00025%); highest among the groups gnomAD compares: East Asian, 0.0045%; no homozygotes.

Submissions (5):

Labcorp Genetics (formerly Invitae), Labcorp
Classification: Uncertain significance for Alstrom syndrome. Last evaluated: 2026-01-05. Review status: criteria provided, single submitter. Criteria: Invitae Variant Classification Sherloc (09022015). Collection method: clinical testing. Allele origin: germline.
Comment: This sequence change replaces proline, which is neutral and non-polar, with leucine, which is neutral and non-polar, at codon 3271 of the ALMS1 protein (p.Pro3271Leu). This variant is not present in population databases (gnomAD no frequency). This variant has not been reported in the literature in individuals affected with ALMS1-related conditions. ClinVar contains an entry for this variant (Variation ID: 1009075). Experimental studies and prediction algorithms are not available or were not evaluated, and the functional significance of this variant is currently unknown. In summary, the available evidence is currently insufficient to determine the role of this variant in disease. Therefore, it has been classified as a Variant of Uncertain Significance.

Ambry Genetics
Classification: Uncertain significance for Cardiovascular phenotype. Last evaluated: 2025-09-05. Review status: criteria provided, single submitter. Criteria: Ambry Variant Classification Scheme 2023. Collection method: clinical testing. Allele origin: germline.
Comment: The p.P3271L variant (also known as c.9812C>T), located in coding exon 12 of the ALMS1 gene, results from a C to T substitution at nucleotide position 9812. The proline at codon 3271 is replaced by leucine, an amino acid with similar properties. This amino acid position is highly conserved in available vertebrate species. In addition, the in silico prediction for this alteration is inconclusive. Based on the available evidence, the clinical significance of this variant remains unclear.

GeneDx
Classification: Uncertain significance. Last evaluated: 2023-12-04. Review status: criteria provided, single submitter. Criteria: GeneDx Variant Classification Process June 2021. Collection method: clinical testing. Allele origin: germline. Affected: yes.
Comment: Has not been previously published as pathogenic or benign to our knowledge; Not observed at significant frequency in large population cohorts (gnomAD); In silico analysis supports that this missense variant has a deleterious effect on protein structure/function; Reported in ClinVar as a variant of uncertain significance (ClinVar Variant ID# 1009075; ClinVar); This variant is associated with the following publications: (PMID: 27535533)

Blueprint Genetics
Classification: Uncertain significance. Last evaluated: 2023-10-09. Review status: criteria provided, single submitter. Criteria: ACMG Guidelines, 2015. Collection method: clinical testing. Allele origin: germline.

Natera, Inc.
Classification: Uncertain significance for Alstrom syndrome. Last evaluated: 2021-05-04. Review status: no assertion criteria provided. Collection method: clinical testing. Allele origin: germline. Not counted in ClinVar's aggregate classification.